The following is an entry in ClinVar:

NM_003982.4(SLC7A7):c.126C>T (p.Gly42=)

Gene: SLC7A7 (solute carrier family 7 member 7; minus strand). Cytogenetic location: 14q11.2.
Variant type: single nucleotide variant.
Coding change: c.126C>T on transcript NM_003982.4 (MANE Select); coding-DNA position 126, C replaced by T.
Protein change: p.Gly42=; no amino-acid change (glycine 42 retained).
Molecular consequence: synonymous variant.
Genome position (GRCh38, 1-based): chr14:22,813,273, G>A on the plus strand (C>T on the coding strand, the complement: SLC7A7 is on the minus strand). VCF-style: chr14-22813273-G-A. GRCh37 (hg19) VCF-style: chr14-23282482-G-A.
Other names: c.126C>T (NM_001126106.2); c.126C>T, p.Gly42= (NM_001126105.3, NM_001126106.4).
Identifiers: ClinVar variation 999155 (VCV000999155.8), dbSNP rs773097626, ClinGen allele CA7104754.
Genomic context (GRCh38, chr14:22,813,273, plus strand): 5'-CACACCCTTGGGGGAAACAAAGATGCCCGAGCCGATCATGTTCCCCACAATCAGGCACAC[G>A]CCGTTAAGCAGTGAGATCTCCTTCTTCAGCTTCACCTGCTCCGGCCCTGGGCTGGCCCCA-3'
Protein context (NP_003973.3, residues 32-52): KLKKEISLLN[Gly42=]VCLIVGNMIG

ClinVar aggregate classification (germline): Uncertain significance. Review status: criteria provided, multiple submitters, no conflicts (2 of 4 stars). 3 submissions from 3 submitters: Uncertain significance (2). 1 of the submissions does not count toward it. Last evaluated 2024-03-13.

Conditions:
Lysinuric protein intolerance (LPI). Identifiers: Orphanet 470, MedGen C0268647, MONDO:0009109, OMIM 222700.

Allele frequency attached by ClinVar (database versions not stated): gnomAD 0.00003 and 0.00004; gnomAD exomes 0.00003 and 0.00007; TOPMed 0.00003; ExAC 0.00004.
gnomAD v4.1: 112 of 1,613,912 alleles (0.0069%); highest among the groups gnomAD compares: Non-Finnish European, 0.0086%; no homozygotes.

Submissions (3):

Fulgent Genetics
Classification: Uncertain significance for Lysinuric protein intolerance. Last evaluated: 2024-03-13. Review status: criteria provided, single submitter. Criteria: ACMG Guidelines, 2015. Collection method: clinical testing. Allele origin: germline.

Labcorp Genetics (formerly Invitae), Labcorp
Classification: Uncertain significance for Lysinuric protein intolerance. Last evaluated: 2022-07-06. Review status: criteria provided, single submitter. Criteria: Invitae Variant Classification Sherloc (09022015). Collection method: clinical testing. Allele origin: germline.
Comment: This sequence change affects codon 42 of the SLC7A7 mRNA. It is a 'silent' change, meaning that it does not change the encoded amino acid sequence of the SLC7A7 protein. This variant is present in population databases (rs773097626, gnomAD 0.005%). This variant has not been reported in the literature in individuals affected with SLC7A7-related conditions. ClinVar contains an entry for this variant (Variation ID: 999155). Algorithms developed to predict the effect of sequence changes on RNA splicing suggest that this variant may create or strengthen a splice site. In summary, the available evidence is currently insufficient to determine the role of this variant in disease. Therefore, it has been classified as a Variant of Uncertain Significance.

Natera, Inc.
Classification: Uncertain significance for Lysinuric protein intolerance. Last evaluated: 2020-04-21. Review status: no assertion criteria provided. Collection method: clinical testing. Allele origin: germline. Not counted in ClinVar's aggregate classification.